The following is an entry in ClinVar:

ClinVar aggregate classification (germline): Uncertain significance. Review status: criteria provided, multiple submitters, no conflicts (2 of 4 stars). 2 submissions from 2 submitters: Uncertain significance (2). Last evaluated 2025-06-05.

Conditions:
Hereditary cancer-predisposing syndrome. Also called: Neoplastic Syndromes, Hereditary; Tumor predisposition; Hereditary Cancer Syndrome; Hereditary neoplastic syndrome. Identifiers: Orphanet 140162, MedGen C0027672, MeSH D009386, MONDO:0015356.
Mitochondrial complex II deficiency, nuclear type 1. Also called: SUCCINATE CoQ REDUCTASE DEFICIENCY. Identifiers: Orphanet 3208, MedGen C5700310, MONDO:0100294, OMIM 252011.
Pheochromocytoma/paraganglioma syndrome 5. Also called: Paragangliomas 5; SDHA-Related Hereditary Paraganglioma-Pheochromocytoma Syndrome. Identifiers: Orphanet 29072, MedGen C3279992, MONDO:0013602, OMIM 614165.

Submissions (2):

Ambry Genetics
Classification: Uncertain significance for Hereditary cancer-predisposing syndrome. Last evaluated: 2025-06-05. Review status: criteria provided, single submitter. Criteria: Ambry Variant Classification Scheme 2023. Collection method: clinical testing. Allele origin: germline.
Comment: The p.H369D variant (also known as c.1105C>G), located in coding exon 9 of the SDHA gene, results from a C to G substitution at nucleotide position 1105. The histidine at codon 369 is replaced by aspartic acid, an amino acid with similar properties. This amino acid position is conserved. In addition, this alteration is predicted to be deleterious by in silico analysis. Based on the available evidence, the clinical significance of this variant remains unclear.

Labcorp Genetics (formerly Invitae), Labcorp
Classification: Uncertain significance for Pheochromocytoma/paraganglioma syndrome 5; Mitochondrial complex II deficiency, nuclear type 1. Last evaluated: 2023-07-26. Review status: criteria provided, single submitter. Criteria: Invitae Variant Classification Sherloc (09022015). Collection method: clinical testing. Allele origin: germline.
Comment: This sequence change replaces histidine, which is basic and polar, with aspartic acid, which is acidic and polar, at codon 369 of the SDHA protein (p.His369Asp). This variant is not present in population databases (gnomAD no frequency). This variant has not been reported in the literature in individuals affected with SDHA-related conditions. Advanced modeling of protein sequence and biophysical properties (such as structural, functional, and spatial information, amino acid conservation, physicochemical variation, residue mobility, and thermodynamic stability) performed at Invitae indicates that this missense variant is not expected to disrupt SDHA protein function. In summary, the available evidence is currently insufficient to determine the role of this variant in disease. Therefore, it has been classified as a Variant of Uncertain Significance.

NM_004168.4(SDHA):c.1105C>G (p.His369Asp)

Gene: SDHA (succinate dehydrogenase complex flavoprotein subunit A; plus strand). Cytogenetic location: 5p15.33.
Variant type: single nucleotide variant.
Coding change: c.1105C>G on transcript NM_004168.4 (MANE Select); coding-DNA position 1105, C replaced by G.
Protein change: p.His369Asp; replaces histidine 369 with aspartic acid.
Molecular consequence: missense variant.
Genome position (GRCh38, 1-based): chr5:235,184, C>G. VCF-style: chr5-235184-C-G. GRCh37 (hg19) VCF-style: chr5-235299-C-G.
Other names: c.1105C>G (NM_004168.2); c.961C>G, p.His321Asp (NM_001294332.2); c.1105C>G, p.His369Asp (NM_001330758.2); short protein forms H369D, H321D.
Identifiers: ClinVar variation 2929825 (VCV002929825.4), dbSNP rs2126584410, ClinGen allele CA359013466.